The following is an entry in ClinVar:

ClinVar aggregate classification (germline): Uncertain significance (1 of 4 stars; one submission).

Conditions:
Symmetrical dyschromatosis of extremities (DSH). Also called: DYSCHROMATOSIS SYMMETRICA HEREDITARIA 1; RETICULATE ACROPIGMENTATION OF DOHI; SYMMETRIC DYSCHROMATOSIS OF THE EXTREMITIES; Dyschromatosis symmetrica hereditaria. Identifiers: Orphanet 41, MedGen C0406775, MONDO:0007483, OMIM 127400.
Aicardi-Goutieres syndrome 6 (AGS6). Identifiers: Orphanet 51, MedGen C3539013, MONDO:0014007, OMIM 615010.

gnomAD v4.1: 1 of 1,614,052 alleles (0.000062%); highest among the groups gnomAD compares: Non-Finnish European, 0.000085%; no homozygotes.

Submission:

Labcorp Genetics (formerly Invitae), Labcorp
Classification: Uncertain significance for Aicardi-Goutieres syndrome 6; Symmetrical dyschromatosis of extremities. Last evaluated: 2025-02-06. Review status: criteria provided, single submitter. Criteria: Invitae Variant Classification Sherloc (09022015). Collection method: clinical testing. Allele origin: germline.
Comment: This sequence change replaces lysine, which is basic and polar, with glutamic acid, which is acidic and polar, at codon 996 of the ADAR protein (p.Lys996Glu). This variant is not present in population databases (gnomAD no frequency). This variant has not been reported in the literature in individuals affected with ADAR-related conditions. Invitae Evidence Modeling of protein sequence and biophysical properties (such as structural, functional, and spatial information, amino acid conservation, physicochemical variation, residue mobility, and thermodynamic stability) has been performed for this missense variant. However, the output from this modeling did not meet the statistical confidence thresholds required to predict the impact of this variant on ADAR protein function. In summary, the available evidence is currently insufficient to determine the role of this variant in disease. Therefore, it has been classified as a Variant of Uncertain Significance.

NM_001111.5(ADAR):c.2986A>G (p.Lys996Glu)

Gene: ADAR (adenosine deaminase RNA specific; minus strand). Cytogenetic location: 1q21.3.
Variant type: single nucleotide variant.
Coding change: c.2986A>G on transcript NM_001111.5 (MANE Select); coding-DNA position 2986, A replaced by G.
Protein change: p.Lys996Glu; replaces lysine 996 with glutamic acid.
Molecular consequence: missense variant.
Genome position (GRCh38, 1-based): chr1:154,588,158, T>C on the plus strand (A>G on the coding strand, the complement: ADAR is on the minus strand). VCF-style: chr1-154588158-T-C. GRCh37 (hg19) VCF-style: chr1-154560634-T-C.
Other names: c.2101A>G, p.Lys701Glu (NM_001025107.3, NM_001193495.2, NM_001365046.1 and 2 more transcripts); c.3013A>G, p.Lys1005Glu (NM_001365045.1); c.2023A>G, p.Lys675Glu (NM_001365049.1); c.2908A>G, p.Lys970Glu (NM_015840.4); c.2851A>G, p.Lys951Glu (NM_015841.4); short protein forms K1005E, K675E, K701E, K951E, K970E, K996E.
Identifiers: ClinVar variation 3758709 (VCV003758709.2).